The following is an entry in ClinVar:

NM_003900.5(SQSTM1):c.335C>T (p.Pro112Leu)

Gene: SQSTM1 (sequestosome 1; plus strand). Cytogenetic location: 5q35.3.
Variant type: single nucleotide variant.
Coding change: c.335C>T on transcript NM_003900.5 (MANE Select); coding-DNA position 335, C replaced by T.
Protein change: p.Pro112Leu; replaces proline 112 with leucine.
Molecular consequence: missense variant.
Genome position (GRCh38, 1-based): chr5:179,823,891, C>T. VCF-style: chr5-179823891-C-T. GRCh37 (hg19) VCF-style: chr5-179250891-C-T.
Other names: c.83C>T, p.Pro28Leu (NM_001142298.2, NM_001142299.2); short protein forms P112L, P28L.
Identifiers: ClinVar variation 1001756 (VCV001001756.8), dbSNP rs761423892, ClinGen allele CA3600474.

ClinVar aggregate classification (germline): Uncertain significance (1 of 4 stars; one submission).

Conditions:
Paget disease of bone 2, early-onset (PDB2). Also called: Paget disease of bone 2. Identifiers: MedGen C4085251, MONDO:0011183, OMIM 602080.
Frontotemporal dementia and/or amyotrophic lateral sclerosis 1 (FTDALS1). Also called: C9orf72 Frontotemporal Dementia and/or Amyotrophic Lateral Sclerosis; Frontotemporal dementia with motor neuron disease 1. Identifiers: Orphanet 275872, MedGen C5779877, MONDO:0007105, OMIM 105550.

Allele frequency attached by ClinVar (database versions not stated): TOPMed 0.00001; gnomAD 0.00003.
gnomAD v4.1: 11 of 1,613,178 alleles (0.00068%); highest among the groups gnomAD compares: African/African-American, 0.0027%; no homozygotes.

Submission:

Labcorp Genetics (formerly Invitae), Labcorp
Classification: Uncertain significance for Paget disease of bone 2, early-onset; Frontotemporal dementia and/or amyotrophic lateral sclerosis 1. Last evaluated: 2024-01-06. Review status: criteria provided, single submitter. Criteria: Invitae Variant Classification Sherloc (09022015). Collection method: clinical testing. Allele origin: germline.
Comment: This sequence change replaces proline, which is neutral and non-polar, with leucine, which is neutral and non-polar, at codon 112 of the SQSTM1 protein (p.Pro112Leu). This variant is present in population databases (rs761423892, gnomAD 0.01%). This variant has not been reported in the literature in individuals affected with SQSTM1-related conditions. ClinVar contains an entry for this variant (Variation ID: 1001756). Advanced modeling of protein sequence and biophysical properties (such as structural, functional, and spatial information, amino acid conservation, physicochemical variation, residue mobility, and thermodynamic stability) performed at Invitae indicates that this missense variant is not expected to disrupt SQSTM1 protein function with a negative predictive value of 80%. In summary, the available evidence is currently insufficient to determine the role of this variant in disease. Therefore, it has been classified as a Variant of Uncertain Significance.